The following is an entry in ClinVar:

NM_004453.4(ETFDH):c.940G>A (p.Glu314Lys)

Gene: ETFDH (electron transfer flavoprotein dehydrogenase; plus strand). Cytogenetic location: 4q32.1.
Variant type: single nucleotide variant.
Coding change: c.940G>A on transcript NM_004453.4 (MANE Select); coding-DNA position 940, G replaced by A.
Protein change: p.Glu314Lys; replaces glutamic acid 314 with lysine.
Molecular consequence: missense variant.
Genome position (GRCh38, 1-based): chr4:158,697,667, G>A. VCF-style: chr4-158697667-G-A. GRCh37 (hg19) VCF-style: chr4-159618819-G-A.
Other names: c.799G>A, p.Glu267Lys (NM_001281737.2); c.757G>A, p.Glu253Lys (NM_001281738.1); short protein forms E253K, E267K, E314K.
Identifiers: ClinVar variation 2419020 (VCV002419020.6), dbSNP rs201579588, ClinGen allele CA358561662.

ClinVar aggregate classification (germline): Uncertain significance (1 of 4 stars; one submission).

Conditions:
Multiple acyl-CoA dehydrogenase deficiency (MADD). Also called: Glutaric aciduria, type 2; Glutaric acidemia type II; GA 2; ETHYLMALONIC-ADIPICACIDURIA; GA II; Glutaric Acidemia type 2. Identifiers: Orphanet 26791, MedGen C0268596, MONDO:0009282, OMIM 231680.

gnomAD v4.1: 3 of 1,613,746 alleles (0.00019%); highest among the groups gnomAD compares: Non-Finnish European, 0.00025%; no homozygotes.

Submission:

Labcorp Genetics (formerly Invitae), Labcorp
Classification: Uncertain significance for Multiple acyl-CoA dehydrogenase deficiency. Last evaluated: 2024-02-23. Review status: criteria provided, single submitter. Criteria: Invitae Variant Classification Sherloc (09022015). Collection method: clinical testing. Allele origin: germline.
Comment: This sequence change replaces glutamic acid, which is acidic and polar, with lysine, which is basic and polar, at codon 314 of the ETFDH protein (p.Glu314Lys). This variant is not present in population databases (gnomAD no frequency). This missense change has been observed in individual(s) with clinical features of multiple acyl-CoA dehydrogenase deficiency (PMID: 32793418). ClinVar contains an entry for this variant (Variation ID: 2419020). Advanced modeling of protein sequence and biophysical properties (such as structural, functional, and spatial information, amino acid conservation, physicochemical variation, residue mobility, and thermodynamic stability) performed at Invitae indicates that this missense variant is not expected to disrupt ETFDH protein function with a negative predictive value of 80%. In summary, the available evidence is currently insufficient to determine the role of this variant in disease. Therefore, it has been classified as a Variant of Uncertain Significance.

Literature cited by the submitters: PubMed 32793418.